The following is an entry in ClinVar:

ClinVar aggregate classification (germline): Uncertain significance (1 of 4 stars; one submission).

Conditions:
Camptomelic dysplasia (CMPD). Also called: Campomelic Dysplasia; CMPD1/SRA1. Identifiers: Orphanet 140, MedGen C1861922, MONDO:0007251, OMIM 114290.

gnomAD v4.1: 1 of 1,613,916 alleles (0.000062%); highest among the groups gnomAD compares: Non-Finnish European, 0.000085%; no homozygotes.

Submission:

Labcorp Genetics (formerly Invitae), Labcorp
Classification: Uncertain significance for Camptomelic dysplasia. Last evaluated: 2025-09-09. Review status: criteria provided, single submitter. Criteria: Invitae Variant Classification Sherloc (09022015). Collection method: clinical testing. Allele origin: germline.
Comment: This sequence change replaces proline, which is neutral and non-polar, with leucine, which is neutral and non-polar, at codon 434 of the SOX9 protein (p.Pro434Leu). This variant is not present in population databases (gnomAD no frequency). This variant has not been reported in the literature in individuals affected with SOX9-related conditions. Invitae Evidence Modeling of protein sequence and biophysical properties (such as structural, functional, and spatial information, amino acid conservation, physicochemical variation, residue mobility, and thermodynamic stability) indicates that this missense variant is not expected to disrupt SOX9 protein function with a negative predictive value of 95%. In summary, the available evidence is currently insufficient to determine the role of this variant in disease. Therefore, it has been classified as a Variant of Uncertain Significance.

NM_000346.4(SOX9):c.1301C>T (p.Pro434Leu)

Gene: SOX9 (SRY-box transcription factor 9; plus strand). Cytogenetic location: 17q24.3.
Variant type: single nucleotide variant.
Coding change: c.1301C>T on transcript NM_000346.4 (MANE Select); coding-DNA position 1301, C replaced by T.
Protein change: p.Pro434Leu; replaces proline 434 with leucine.
Molecular consequence: missense variant.
Genome position (GRCh38, 1-based): chr17:72,124,158, C>T. VCF-style: chr17-72124158-C-T. GRCh37 (hg19) VCF-style: chr17-70120299-C-T.
Other names: short protein forms P434L.
Identifiers: ClinVar variation 4749673 (VCV004749673.1).